The following is an entry in ClinVar:

NM_005068.3(SIM1):c.1704A>G (p.Ile568Met)

Gene: SIM1 (SIM bHLH transcription factor 1; minus strand). Cytogenetic location: 6q16.3.
Variant type: single nucleotide variant.
Coding change: c.1704A>G on transcript NM_005068.3 (MANE Select); coding-DNA position 1704, A replaced by G.
Protein change: p.Ile568Met; replaces isoleucine 568 with methionine.
Molecular consequence: missense variant.
Genome position (GRCh38, 1-based): chr6:100,390,958, T>C on the plus strand (A>G on the coding strand, the complement: SIM1 is on the minus strand). VCF-style: chr6-100390958-T-C. GRCh37 (hg19) VCF-style: chr6-100838834-T-C.
Other names: c.1704A>G, p.Ile568Met (NM_001374769.1); short protein forms I568M.
Identifiers: ClinVar variation 4766387 (VCV004766387.1).

ClinVar aggregate classification (germline): Uncertain significance (1 of 4 stars; one submission).

Submission:

Labcorp Genetics (formerly Invitae), Labcorp
Classification: Uncertain significance. Last evaluated: 2025-12-19. Review status: criteria provided, single submitter. Criteria: Invitae Variant Classification Sherloc (09022015). Collection method: clinical testing. Allele origin: germline.
Comment: This sequence change replaces isoleucine, which is neutral and non-polar, with methionine, which is neutral and non-polar, at codon 568 of the SIM1 protein (p.Ile568Met). This variant is not present in population databases (gnomAD no frequency). This variant has not been reported in the literature in individuals affected with SIM1-related conditions. An algorithm developed to predict the effect of missense changes on protein structure and function (PolyPhen-2) suggests that this variant is likely to be disruptive. In summary, the available evidence is currently insufficient to determine the role of this variant in disease. Therefore, it has been classified as a Variant of Uncertain Significance.